The following is an entry in ClinVar:

ClinVar aggregate classification (germline): Uncertain significance (1 of 4 stars; one submission).

Conditions:
Charcot-Marie-Tooth disease type 4. Also called: Charcot-Marie-Tooth disease, type IV; Charcot-Marie-Tooth, Type 4. Identifiers: Orphanet 64749, MedGen C4082197, MONDO:0018995.

Submission:

Labcorp Genetics (formerly Invitae), Labcorp
Classification: Uncertain significance for Charcot-Marie-Tooth disease type 4. Last evaluated: 2020-02-22. Review status: criteria provided, single submitter. Criteria: Invitae Variant Classification Sherloc (09022015). Collection method: clinical testing. Allele origin: germline.
Comment: Nucleotide substitutions within the consensus splice site are a relatively common cause of aberrant splicing (PMID: 17576681, 9536098). Algorithms developed to predict the effect of sequence changes on RNA splicing suggest that this variant is not likely to affect RNA splicing, but this prediction has not been confirmed by published transcriptional studies. This variant has not been reported in the literature in individuals with SBF2-related conditions. This variant is not present in population databases (ExAC no frequency). This sequence change falls in intron 34 of the SBF2 gene. It does not directly change the encoded amino acid sequence of the SBF2 protein, but it affects a nucleotide within the consensus splice site of the intron. In summary, the available evidence is currently insufficient to determine the role of this variant in disease. Therefore, it has been classified as a Variant of Uncertain Significance.

Literature cited by the submitters: PubMed 17576681; PubMed 9536098.

NM_030962.4(SBF2):c.4698+6G>A

Genes: SBF2 (SET binding factor 2; minus strand), SBF2-AS1 (SBF2 antisense RNA 1; plus strand), LOC105369149 (uncharacterized LOC105369149; plus strand). Cytogenetic location: 11p15.4.
Variant type: single nucleotide variant.
Coding change: c.4698+6G>A on transcript NM_030962.4 (MANE Select); 6 bases into the intron after coding-DNA position 4698, G replaced by A.
Molecular consequence: intron variant.
Genome position (GRCh38, 1-based): chr11:9,790,550, C>T on the plus strand (G>A on the coding strand, the complement: SBF2 is on the minus strand). VCF-style: chr11-9790550-C-T. GRCh37 (hg19) VCF-style: chr11-9812097-C-T.
Other names: c.4569+6G>A (NM_001386342.1); c.4794+6G>A (NM_001386339.1).
Identifiers: ClinVar variation 1015246 (VCV001015246.12), dbSNP rs1852674371, ClinGen allele CA1951775877.
Genomic context (GRCh38, chr11:9,790,550, plus strand): 5'-TTAAAACTAAGGAAAACCTTAACACAAAATTTCAGAAAGTGAAACATAAATGATTTCTTA[C>T]TCTACCTCTATTTCCAATGGTGAATATAAATAATTAAAGAAAATGGGACTCCTCTTGTGC-3'